The following is an entry in ClinVar:

ClinVar aggregate classification (germline): Uncertain significance (1 of 4 stars; one submission).

Conditions:
Inborn genetic diseases. Identifiers: MedGen C0950123, MeSH D030342.

Submission:

Ambry Genetics
Classification: Uncertain significance for Inborn genetic diseases. Last evaluated: 2025-05-19. Review status: criteria provided, single submitter. Criteria: Ambry Variant Classification Scheme 2023. Collection method: clinical testing. Allele origin: germline.
Comment: The p.S515G variant (also known as c.1543A>G), located in coding exon 11 of the BMPR2 gene, results from an A to G substitution at nucleotide position 1543. The serine at codon 515 is replaced by glycine, an amino acid with similar properties. This amino acid position is conserved. In addition, this alteration is predicted to be deleterious by in silico analysis. Based on the available evidence, the clinical significance of this variant remains unclear.

NM_001204.7(BMPR2):c.1543A>G (p.Ser515Gly)

Gene: BMPR2 (bone morphogenetic protein receptor type 2; plus strand). Cytogenetic location: 2q33.2.
Variant type: single nucleotide variant.
Coding change: c.1543A>G on transcript NM_001204.7 (MANE Select); coding-DNA position 1543, A replaced by G.
Protein change: p.Ser515Gly; replaces serine 515 with glycine.
Molecular consequence: missense variant.
Genome position (GRCh38, 1-based): chr2:202,552,845, A>G. VCF-style: chr2-202552845-A-G. GRCh37 (hg19) VCF-style: chr2-203417568-A-G.
Other names: short protein forms S515G.
Identifiers: ClinVar variation 3992186 (VCV003992186.1).